The following is an entry in ClinVar:

NM_001172303.3(MASTL):c.1774A>G (p.Arg592Gly)

Gene: MASTL (microtubule associated serine/threonine kinase like; plus strand). Cytogenetic location: 10p12.1.
Variant type: single nucleotide variant.
Coding change: c.1774A>G on transcript NM_001172303.3 (MANE Select); coding-DNA position 1774, A replaced by G.
Protein change: p.Arg592Gly; replaces arginine 592 with glycine.
Molecular consequence: missense variant. On other transcripts: non-coding transcript variant (1).
Genome position (GRCh38, 1-based): chr10:27,170,733, A>G. VCF-style: chr10-27170733-A-G. GRCh37 (hg19) VCF-style: chr10-27459662-A-G.
Other names: p.Arg592Gly; c.1774A>G, p.Arg592Gly (NM_001172304.3, NM_001320756.2, NM_001320757.2 and 1 more transcripts); c.1291A>G, p.Arg431Gly (NM_001372029.1, NM_001372030.1); short protein forms R431G, R592G.
Identifiers: ClinVar variation 3379958 (VCV003379958.1).

ClinVar aggregate classification (germline): Uncertain significance (1 of 4 stars; one submission).

gnomAD v4.1: 7 of 1,613,724 alleles (0.00043%); highest among the groups gnomAD compares: Non-Finnish European, 0.00034%; no homozygotes.

Submission:

Mayo Clinic Laboratories, Mayo Clinic
Classification: Uncertain significance. Last evaluated: 2024-08-14. Review status: criteria provided, single submitter. Criteria: ACMG Guidelines, 2015. Collection method: clinical testing. Allele origin: germline. Observed: 1 variant allele.
Comment: BP4, PM2